The following is an entry in ClinVar:

NM_005475.3(SH2B3):c.104T>C (p.Val35Ala)

Gene: SH2B3 (SH2B adaptor protein 3; plus strand). Cytogenetic location: 12q24.12.
Variant type: single nucleotide variant.
Coding change: c.104T>C on transcript NM_005475.3 (MANE Select); coding-DNA position 104, T replaced by C.
Protein change: p.Val35Ala; replaces valine 35 with alanine.
Molecular consequence: missense variant.
Genome position (GRCh38, 1-based): chr12:111,418,249, T>C. VCF-style: chr12-111418249-T-C. GRCh37 (hg19) VCF-style: chr12-111856053-T-C.
Other names: short protein forms V35A.
Identifiers: ClinVar variation 3440813 (VCV003440813.1).

ClinVar aggregate classification (germline): Uncertain significance (1 of 4 stars; one submission).

Conditions:
Inborn genetic diseases. Identifiers: MedGen C0950123, MeSH D030342.

gnomAD v4.1: 1 of 1,541,846 alleles (0.000065%); highest among the groups gnomAD compares: East Asian, 0.0024%; no homozygotes.

Submission:

Ambry Genetics
Classification: Uncertain significance for Inborn genetic diseases. Last evaluated: 2024-11-30. Review status: criteria provided, single submitter. Criteria: Ambry Variant Classification Scheme 2023. Collection method: clinical testing. Allele origin: germline.
Comment: The p.V35A variant (also known as c.104T>C), located in coding exon 1 of the SH2B3 gene, results from a T to C substitution at nucleotide position 104. The valine at codon 35 is replaced by alanine, an amino acid with similar properties. This amino acid position is conserved. In addition, this alteration is predicted to be tolerated by in silico analysis. Based on the available evidence, the clinical significance of this variant remains unclear.